The following is an entry in ClinVar:

NM_005861.4(STUB1):c.876_887del (p.Phe293_Glu296del)

Genes: STUB1 (STIP1 homology and U-box containing protein 1; plus strand), JMJD8 (jumonji domain containing 8; minus strand). Cytogenetic location: 16p13.3.
Variant type: Deletion.
Coding change: c.876_887del on transcript NM_005861.4 (MANE Select); coding-DNA positions 876 to 887, 12 bases deleted (ATTCATCTCTGA).
Protein change: p.Phe293_Glu296del.
Molecular consequence: inframe deletion. On other transcripts: 3 prime UTR variant (5), non-coding transcript variant (3).
Genome position (GRCh38, 1-based): chr16:682,453-682,464, ATTCATCTCTGA deleted. VCF-style (leftmost placement, unchanged base first): chr16-682452-CATTCATCTCTGA-C. GRCh37 (hg19) VCF-style: chr16-732452-CATTCATCTCTGA-C.
Other names: c.660_671del, p.Phe221_Glu224del (NM_001293197.2); c.*330_*341del (NM_001005920.4, NM_001323919.3, NM_001323920.3); c.*364_*375del (NM_001323918.3, NM_001323922.3).
Identifiers: ClinVar variation 3063578 (VCV003063578.1), dbSNP rs2543818290, ClinGen allele CA2740096805.
Genomic context (GRCh38, chr16:682,452, plus strand): 5'-GGAGCCCCCTGACCCAGGAACAGCTCATCCCCAACTTGGCTATGAAGGAGGTTATTGACG[CATTCATCTCTGA>C]GAATGGCTGGGTGGAGGACTACTGAGGTTCCCTGCCCTACCTGGCGTCCTGGTCCAGGGG-3'

ClinVar aggregate classification (germline): Uncertain significance (1 of 4 stars; one submission).

Conditions:
Spinocerebellar ataxia 48. Identifiers: Orphanet 631103, MedGen C4748158, MONDO:0032526, OMIM 618093.

Submission:

Institute of Immunology and Genetics Kaiserslautern
Classification: Uncertain significance for Spinocerebellar ataxia 48. Last evaluated: 2024-03-06. Review status: criteria provided, single submitter. Criteria: ACMG Guidelines, 2015. Collection method: clinical testing. Allele origin: maternal. Affected: yes.
Comment: ACMG Criteria: PM2, PM4; Variant was found in heterozygous state